The following is an entry in ClinVar:

NM_052947.4(ALPK2):c.4732C>T (p.Arg1578Cys)

Genes: ALPK2 (alpha kinase 2; minus strand), LOC126862764 (BRD4-independent group 4 enhancer GRCh37_chr18:56202574-56203773; plus strand). Cytogenetic location: 18q21.31.
Variant type: single nucleotide variant.
Coding change: c.4732C>T on transcript NM_052947.4 (MANE Select); coding-DNA position 4732, C replaced by T.
Protein change: p.Arg1578Cys; replaces arginine 1578 with cysteine.
Molecular consequence: missense variant.
Genome position (GRCh38, 1-based): chr18:58,535,455, G>A on the plus strand (C>T on the coding strand, the complement: ALPK2 is on the minus strand). VCF-style: chr18-58535455-G-A. GRCh37 (hg19) VCF-style: chr18-56202687-G-A.
Other names: short protein forms R1578C.
Identifiers: ClinVar variation 2450903 (VCV002450903.2), dbSNP rs780512023, ClinGen allele CA8976646.

ClinVar aggregate classification (germline): Uncertain significance (1 of 4 stars; one submission).

Allele frequency attached by ClinVar (database versions not stated): ExAC 0.00001; gnomAD exomes 0.00001.
gnomAD v4.1: 13 of 1,614,050 alleles (0.00081%); highest among the groups gnomAD compares: East Asian, 0.0022%; no homozygotes.

Submission:

Ambry Genetics
Classification: Uncertain significance. Last evaluated: 2023-02-08. Review status: criteria provided, single submitter. Criteria: Ambry Variant Classification Scheme 2023. Collection method: clinical testing. Allele origin: germline.
Comment: The p.R1578C variant (also known as c.4732C>T), located in coding exon 4 of the ALPK2 gene, results from a C to T substitution at nucleotide position 4732. The arginine at codon 1578 is replaced by cysteine, an amino acid with highly dissimilar properties. This amino acid position is conserved. In addition, this alteration is predicted to be tolerated by in silico analysis. Since supporting evidence is limited at this time, the clinical significance of this alteration remains unclear.